The following is an entry in ClinVar:

NM_001620.3(AHNAK):c.14391T>C (p.Gly4797=)

Gene: AHNAK (AHNAK nucleoprotein; minus strand). Cytogenetic location: 11q12.3.
Variant type: single nucleotide variant.
Coding change: c.14391T>C on transcript NM_001620.3 (MANE Select); coding-DNA position 14391, T replaced by C.
Protein change: p.Gly4797=; no amino-acid change (glycine 4797 retained).
Molecular consequence: synonymous variant. On other transcripts: intron variant (1).
Genome position (GRCh38, 1-based): chr11:62,520,026, A>G on the plus strand (T>C on the coding strand, the complement: AHNAK is on the minus strand). VCF-style: chr11-62520026-A-G. GRCh37 (hg19) VCF-style: chr11-62287498-A-G.
Other names: c.14391T>C, p.Gly4797= (NM_001346445.2, NM_001346446.2); c.342+14977T>C (NM_024060.4).
Identifiers: ClinVar variation 2641857 (VCV002641857.24), dbSNP rs1204857695, ClinGen allele CA475117674.

ClinVar aggregate classification (germline): Likely benign (1 of 4 stars; one submission).

Allele frequency attached by ClinVar (database versions not stated): gnomAD exomes 0.00001; 1000 Genomes Project 30x 0.00219.

Submission:

CeGaT Center for Human Genetics Tuebingen
Classification: Likely benign. Last evaluated: 2026-03-01. Review status: criteria provided, single submitter. Criteria: CeGaT Center For Human Genetics Tuebingen Variant Classification Criteria Version 2. Collection method: clinical testing. Allele origin: germline. Affected: yes. Observed: 2 variant alleles.
Comment: AHNAK: BP4, BP7